The following is an entry in ClinVar:

NM_015275.3(WASHC4):c.519-9_519-5del

Gene: WASHC4 (WASH complex subunit 4; plus strand). Cytogenetic location: 12q23.3.
Variant type: Microsatellite.
Coding change: c.519-9_519-5del on transcript NM_015275.3 (MANE Select); 9 bases into the intron before coding-DNA position 519 through 5 bases into the intron before coding-DNA position 519, 5 bases deleted (TTATT; older notation c.519-9_519-5delTTATT).
Molecular consequence: intron variant.
Genome position (GRCh38, 1-based): chr12:105,120,546-105,120,550, TTATT deleted; deleting any 5 consecutive bases within chr12:105,120,541-105,120,550 gives the same sequence; the c. name uses the placement nearest the transcript's 3' end. VCF-style (leftmost placement, unchanged base first): chr12-105120540-GTTATT-G. GRCh37 (hg19) VCF-style: chr12-105514318-GTTATT-G.
Other names: c.519-9_519-5del (NM_001293640.2).
Identifiers: ClinVar variation 4886347 (VCV004886347.2).

ClinVar aggregate classification (germline): Uncertain significance (1 of 4 stars; one submission).

Submission:

Dasa
Classification: Uncertain significance. Last evaluated: 2026-03-18. Review status: criteria provided, single submitter. Criteria: DASA Assertion Criteria. Collection method: clinical testing. Allele origin: germline.
Comment: NM_015275.3(WASHC4):c.519-9_519-5del is a splice-region variant predicted to affect normal RNA splicing. This variant is absent from population databases. Computational prediction algorithms are consistent with a deleterious effect. The currently available literature and clinical evidence are not sufficient to establish a definitive association between this variant and the reported condition. Therefore, this variant is classified as a variant of uncertain significance.